The following is an entry in ClinVar:

NM_001165963.4(SCN1A):c.295_301del (p.Ile99fs)

Gene: SCN1A (sodium voltage-gated channel alpha subunit 1; minus strand). Cytogenetic location: 2q24.3.
Variant type: Deletion.
Coding change: c.295_301del on transcript NM_001165963.4 (MANE Select); coding-DNA positions 295 to 301, 7 bases deleted (ATCTTCC; older notation c.295_301delATCTTCC).
Protein change: p.Ile99fs; shifts the reading frame from isoleucine 99.
Molecular consequence: frameshift variant. On other transcripts: 5 prime UTR variant (1), non-coding transcript variant (1).
Genome position (GRCh38, 1-based): chr2:166,058,652-166,058,658, GGAAGAT deleted on the plus strand (ATCTTCC on the coding strand, the reverse complement: SCN1A is on the minus strand); deleting any 7 consecutive bases within chr2:166,058,652-166,058,660 gives the same sequence; the c. name uses the placement nearest the transcript's 3' end. VCF-style (leftmost placement, unchanged base first): chr2-166058651-CGGAAGAT-C. GRCh37 (hg19) VCF-style: chr2-166915161-CGGAAGAT-C.
Other names: c.295_301del, p.Ile99fs (NM_001165964.3, NM_001202435.3, NM_001353948.2 and 10 more transcripts); c.-2131_-2125del (NM_001353961.2); short protein forms I99fs.
Identifiers: ClinVar variation 641010 (VCV000641010.3), dbSNP rs1574302195, ClinGen allele CA915942934.
Genomic context (GRCh38, chr2:166,058,651, plus strand): 5'-GCTATTTTCCTAAGAGGATTGAAGGGAGTTAAAATGTACAGGGCAGAGGTGGCACTGAAC[CGGAAGAT>C]GGCCTTCCCTTTATTCAATACTATAAAAGTCTGTAAGACAGGAACACAACATAGAAGTAT-3'

ClinVar aggregate classification (germline): Pathogenic (1 of 4 stars; one submission).

Conditions:
Developmental and epileptic encephalopathy. Identifiers: MedGen C5779964, MONDO:0100620.

Submission:

Labcorp Genetics (formerly Invitae), Labcorp
Classification: Pathogenic for Early-infantile DEE. Last evaluated: 2018-07-31. Review status: criteria provided, single submitter. Criteria: Invitae Variant Classification Sherloc (09022015). Collection method: clinical testing. Allele origin: germline.
Comment: This sequence change creates a premature translational stop signal (p.Ile99Glyfs*11) in the SCN1A gene. It is expected to result in an absent or disrupted protein product. This variant is not present in population databases (ExAC no frequency). This variant has not been reported in the literature in individuals with SCN1A-related disease. Loss-of-function variants in SCN1A are known to be pathogenic (PMID: 17347258, 18930999). For these reasons, this variant has been classified as Pathogenic.

Literature cited by the submitters: PubMed 17347258; PubMed 18930999.